The following is an entry in ClinVar:

ClinVar aggregate classification (germline): Benign/Likely benign. Review status: criteria provided, multiple submitters, no conflicts (2 of 4 stars). 5 submissions from 5 submitters: Benign (1); Likely benign (3). 1 of the submissions does not count toward it. Last evaluated 2026-01-31.

Conditions:
POLD1-related polyposis and colorectal cancer syndrome (CRCS10). Also called: Colorectal cancer, susceptibility to, 10; Colorectal cancer 10; COLORECTAL CANCER, SUSCEPTIBILITY TO, ON CHROMOSOME 19q. Identifiers: Orphanet 220460, MedGen C2675481, MONDO:0012953, OMIM 612591.

Allele frequency attached by ClinVar (database versions not stated): TOPMed 0.00013; 1000 Genomes Project 30x 0.00016; gnomAD 0.00016 and 0.00017; 1000 Genomes Project 0.00020; ESP Exome Variant Server 0.00031.
gnomAD v4.1: 441 of 1,554,668 alleles (0.028%); highest among the groups gnomAD compares: Non-Finnish European, 0.032%; no homozygotes.

Submissions (5):

Labcorp Genetics (formerly Invitae), Labcorp
Classification: Benign for POLD1-related polyposis and colorectal cancer syndrome. Last evaluated: 2026-01-31. Review status: criteria provided, single submitter. Criteria: Invitae Variant Classification Sherloc (09022015). Collection method: clinical testing. Allele origin: germline.

Center for Genomic Medicine, Rigshospitalet, Copenhagen University Hospital
Classification: Likely benign. Last evaluated: 2025-03-04. Review status: criteria provided, single submitter. Criteria: ACMG Guidelines, 2015. Collection method: clinical testing. Allele origin: germline.

Blueprint Genetics
Classification: Likely benign. Last evaluated: 2024-10-03. Review status: criteria provided, single submitter. Criteria: ACMG Guidelines, 2015. Collection method: clinical testing. Allele origin: germline.

GeneDx
Classification: Likely benign. Last evaluated: 2017-10-05. Review status: criteria provided, single submitter. Criteria: GeneDx Variant Classification (06012015). Collection method: clinical testing. Allele origin: germline. Affected: yes.
Comment: This variant is considered likely benign or benign based on one or more of the following criteria: it is a conservative change, it occurs at a poorly conserved position in the protein, it is predicted to be benign by multiple in silico algorithms, and/or has population frequency not consistent with disease.

Counsyl
Classification: Likely benign for POLD1-related polyposis and colorectal cancer syndrome. Last evaluated: 2017-06-28. Review status: no assertion criteria provided. Collection method: clinical testing. Allele origin: unknown. Not counted in ClinVar's aggregate classification.

NM_002691.4(POLD1):c.2006+16C>T

Gene: POLD1 (DNA polymerase delta 1, catalytic subunit; plus strand). Cytogenetic location: 19q13.33.
Variant type: single nucleotide variant.
Coding change: c.2006+16C>T on transcript NM_002691.4 (MANE Select); 16 bases into the intron after coding-DNA position 2006, C replaced by T.
Molecular consequence: intron variant.
Genome position (GRCh38, 1-based): chr19:50,409,251, C>T. VCF-style: chr19-50409251-C-T. GRCh37 (hg19) VCF-style: chr19-50912508-C-T.
Other names: c.2084+16C>T (LRG_785t2, NM_001308632.1); c.2006+16C>T (LRG_785t1, NM_001256849.1).
Identifiers: ClinVar variation 385350 (VCV000385350.17), dbSNP rs372942171, ClinGen allele CA9596343.